The following is an entry in ClinVar:

NM_001079.4(ZAP70):c.837+6T>C

Gene: ZAP70 (zeta chain of T cell receptor associated protein kinase 70; plus strand). Cytogenetic location: 2q11.2.
Variant type: single nucleotide variant.
Coding change: c.837+6T>C on transcript NM_001079.4 (MANE Select); 6 bases into the intron after coding-DNA position 837, T replaced by C.
Molecular consequence: intron variant. On other transcripts: 5 prime UTR variant (1).
Genome position (GRCh38, 1-based): chr2:97,733,349, T>C. VCF-style: chr2-97733349-T-C. GRCh37 (hg19) VCF-style: chr2-98349812-T-C.
Other names: c.-1203T>C (NM_207519.2); c.837+6T>C (NM_001378594.1).
Identifiers: ClinVar variation 337633 (VCV000337633.13), dbSNP rs199639189, ClinGen allele CA1790248.
Genomic context (GRCh38, chr2:97,733,349, plus strand): 5'-TCCCCCAGGGGCTGCTGCTCCCACACTCCCAGCCCACCCATCCACGTTGACTCATGTGAG[T>C]TGGGGGCACCTGGAGTGTGGCCTTGGGGATGGAGCTGGGGAGTGGCTGTGGGGGAGGCTG-3'

ClinVar aggregate classification (germline): Uncertain significance. Review status: criteria provided, multiple submitters, no conflicts (2 of 4 stars). 4 submissions from 4 submitters: Uncertain significance (4). Last evaluated 2025-06-27.

Conditions:
Combined immunodeficiency due to ZAP70 deficiency (IMD48). Also called: ZAP70 Deficiency; Immunodeficiency 48. Identifiers: Orphanet 911, MedGen C2931299, MONDO:0010023, OMIM 269840.

Allele frequency attached by ClinVar (database versions not stated): gnomAD exomes 0.00003 and below 0.00001; TOPMed 0.00003; ExAC 0.00001; gnomAD 0.00004; ESP Exome Variant Server 0.00015.

Submissions (4):

Women's Health and Genetics/Laboratory Corporation of America, LabCorp
Classification: Uncertain significance. Last evaluated: 2025-06-27. Review status: criteria provided, single submitter. Criteria: LabCorp Variant Classification Summary - May 2015. Collection method: clinical testing. Allele origin: germline.
Comment: Variant summary: ZAP70 c.837+6T>C alters a non-conserved nucleotide located close to a canonical splice site and therefore could affect mRNA splicing, leading to a significantly altered protein sequence. Several computational tools predict a significant impact on normal splicing: Three predict the variant weakens a canonical 5' donor site. However, these predictions have yet to be confirmed by functional studies. The variant allele was found at a frequency of 4.4e-06 in 228246 control chromosomes. The available data on variant occurrences in the general population are insufficient to allow any conclusion about variant significance. c.837+6T>C has been observed in individual(s) affected with Severe Combined Immunodeficiency (Similuk_2023). These report(s) do not provide unequivocal conclusions about association of the variant with Severe Combined Immunodeficiency. To our knowledge, no experimental evidence demonstrating an impact on protein function has been reported. The following publication has been ascertained in the context of this evaluation (PMID: 35753512). ClinVar contains an entry for this variant (Variation ID: 337633). Based on the evidence outlined above, the variant was classified as uncertain significance.

Labcorp Genetics (formerly Invitae), Labcorp
Classification: Uncertain significance for Combined immunodeficiency due to ZAP70 deficiency. Last evaluated: 2021-08-28. Review status: criteria provided, single submitter. Criteria: Invitae Variant Classification Sherloc (09022015). Collection method: clinical testing. Allele origin: germline.
Comment: This sequence change falls in intron 7 of the ZAP70 gene. It does not directly change the encoded amino acid sequence of the ZAP70 protein. It affects a nucleotide within the consensus splice site of the intron. This variant is present in population databases (rs199639189, ExAC 0.002%). This variant has not been reported in the literature in individuals affected with ZAP70-related conditions. ClinVar contains an entry for this variant (Variation ID: 337633). Variants that disrupt the consensus splice site are a relatively common cause of aberrant splicing (PMID: 17576681, 9536098). Algorithms developed to predict the effect of sequence changes on RNA splicing suggest that this variant may disrupt the consensus splice site. In summary, the available evidence is currently insufficient to determine the role of this variant in disease. Therefore, it has been classified as a Variant of Uncertain Significance.

Blueprint Genetics
Classification: Uncertain significance. Last evaluated: 2018-08-01. Review status: criteria provided, single submitter. Criteria: ACMG Guidelines, 2015. Collection method: clinical testing. Allele origin: germline.

Illumina Laboratory Services, Illumina
Classification: Uncertain significance for Combined immunodeficiency due to ZAP70 deficiency. Last evaluated: 2018-01-12. Review status: criteria provided, single submitter. Criteria: ICSL Variant Classification Criteria 13 December 2019. Collection method: clinical testing. Allele origin: germline.

Literature cited by the submitters: PubMed 35753512 (cited by Women's Health and Genetics/Laboratory Corporation of America, LabCorp); PubMed 17576681 (cited by Labcorp Genetics (formerly Invitae), Labcorp); PubMed 9536098 (cited by Labcorp Genetics (formerly Invitae), Labcorp).